The following is an entry in ClinVar:

ClinVar aggregate classification (germline): Uncertain significance. Review status: criteria provided, multiple submitters, no conflicts (2 of 4 stars). 2 submissions from 2 submitters: Uncertain significance (2). Last evaluated 2025-06-20.

Conditions:
Cardiovascular phenotype. Identifiers: MedGen CN230736.
Brugada syndrome 8 (BRGDA8). Identifiers: Orphanet 130, MedGen C2751083, MONDO:0013148, OMIM 613123.

Submissions (2):

Labcorp Genetics (formerly Invitae), Labcorp
Classification: Uncertain significance for Brugada syndrome 8. Last evaluated: 2025-06-20. Review status: criteria provided, single submitter. Criteria: Invitae Variant Classification Sherloc (09022015). Collection method: clinical testing. Allele origin: germline.
Comment: This sequence change replaces proline, which is neutral and non-polar, with threonine, which is neutral and polar, at codon 1028 of the HCN4 protein (p.Pro1028Thr). This variant is not present in population databases (gnomAD no frequency). This variant has not been reported in the literature in individuals affected with HCN4-related conditions. ClinVar contains an entry for this variant (Variation ID: 1727380). Invitae Evidence Modeling of protein sequence and biophysical properties (such as structural, functional, and spatial information, amino acid conservation, physicochemical variation, residue mobility, and thermodynamic stability) indicates that this missense variant is not expected to disrupt HCN4 protein function with a negative predictive value of 95%. In summary, the available evidence is currently insufficient to determine the role of this variant in disease. Therefore, it has been classified as a Variant of Uncertain Significance.

Ambry Genetics
Classification: Uncertain significance for Cardiovascular phenotype. Last evaluated: 2021-07-07. Review status: criteria provided, single submitter. Criteria: Ambry Variant Classification Scheme 2023. Collection method: clinical testing. Allele origin: germline.
Comment: The p.P1028T variant (also known as c.3082C>A), located in coding exon 8 of the HCN4 gene, results from a C to A substitution at nucleotide position 3082. The proline at codon 1028 is replaced by threonine, an amino acid with highly similar properties. This amino acid position is conserved. In addition, the in silico prediction for this alteration is inconclusive. Since supporting evidence is limited at this time, the clinical significance of this alteration remains unclear.

NM_005477.3(HCN4):c.3082C>A (p.Pro1028Thr)

Gene: HCN4 (hyperpolarization activated cyclic nucleotide gated potassium channel 4; minus strand). Cytogenetic location: 15q24.1.
Variant type: single nucleotide variant.
Coding change: c.3082C>A on transcript NM_005477.3 (MANE Select); coding-DNA position 3082, C replaced by A.
Protein change: p.Pro1028Thr; replaces proline 1028 with threonine.
Molecular consequence: missense variant.
Genome position (GRCh38, 1-based): chr15:73,323,011, G>T on the plus strand (C>A on the coding strand, the complement: HCN4 is on the minus strand). VCF-style: chr15-73323011-G-T. GRCh37 (hg19) VCF-style: chr15-73615352-G-T.
Other names: short protein forms P1028T.
Identifiers: ClinVar variation 1727380 (VCV001727380.4), dbSNP rs1375231724, ClinGen allele CA393086256.